The following is an entry in ClinVar:

ClinVar aggregate classification (germline): Pathogenic. Review status: reviewed by expert panel (3 of 4 stars). 8 submissions from 8 submitters: Pathogenic (1). 7 of the submissions do not count toward it. Last evaluated 2023-08-25.

Conditions:
CDH1-related diffuse gastric and lobular breast cancer syndrome. Also called: CDH1-related diffuse gastric and lobular breast cancer. Identifiers: MedGen CN311521, MONDO:0100488.
Hereditary cancer-predisposing syndrome. Also called: Hereditary neoplastic syndrome; Tumor predisposition; Neoplastic Syndromes, Hereditary; Hereditary Cancer Syndrome. Identifiers: Orphanet 140162, MedGen C0027672, MeSH D009386, MONDO:0015356.
Hereditary diffuse gastric adenocarcinoma (HDGC). Also called: DIFFUSE GASTRIC AND LOBULAR BREAST CANCER SYNDROME. Identifiers: Orphanet 26106, MedGen C1708349, MONDO:0007648, OMIM 137215.

Submissions (8):

Clingen Gastric Cancer Variant Curation Expert Panel
Classification: Pathogenic for CDH1-related diffuse gastric and lobular breast cancer syndrome. Last evaluated: 2023-08-25. Review status: reviewed by expert panel. Criteria: ClinGen CDH1 ACMG Specifications V3.1. Collection method: curation. Allele origin: germline. Inheritance: Autosomal dominant inheritance.
Comment: The c.603delT p.(Val202Leufs) variant is predicted to result in a premature stop codon that leads to a truncated or absent protein (PVS1, PM5_Supporting). This variant is absent in the gnomAD cohort (PM2_Supporting). The variant has been reported in at least one family meeting HDGC clinical criteria (PS4_Supporting; SCV000580694.3). In summary, this variant meets criteria to be classified as pathogenic based on the ACMG/AMP criteria applied as specified by the CDH1 Variant Curation Expert Panel (Variant Interpretation Guidelines Version 3.1): PVS1, PM2_Supporting, PS4_Supporting, PM5_Supporting.

Women's Health and Genetics/Laboratory Corporation of America, LabCorp
Classification: Pathogenic for Hereditary diffuse gastric adenocarcinoma. Last evaluated: 2025-06-09. Review status: criteria provided, single submitter. Criteria: LabCorp Variant Classification Summary - May 2015. Collection method: clinical testing. Allele origin: germline. Not counted in ClinVar's aggregate classification.
Comment: Variant summary: CDH1 c.603delT (p.Val202LeufsX13) results in a premature termination codon, predicted to cause a truncation of the encoded protein or absence of the protein due to nonsense mediated decay, which are commonly known mechanisms for disease. The variant was absent in 251230 control chromosomes (gnomAD). c.603delT has been reported in the literature in individuals affected with Hereditary Diffuse Gastric Cancer (examples- Benusiglio_2015, Kumar_2020) and other cancer phenotypes (examples- Xicola_2019). These data indicate that the variant may be associated with disease. To our knowledge, no experimental evidence demonstrating an impact on protein function has been reported. The following publications have been ascertained in the context of this evaluation (PMID: 26025002, 31077828, 30563991, 31296550). ClinVar contains an entry for this variant (Variation ID: 428620). Based on the evidence outlined above, the variant was classified as pathogenic.

Labcorp Genetics (formerly Invitae), Labcorp
Classification: Pathogenic for Hereditary diffuse gastric adenocarcinoma. Last evaluated: 2024-05-15. Review status: criteria provided, single submitter. Criteria: Invitae Variant Classification Sherloc (09022015). Collection method: clinical testing. Allele origin: germline. Not counted in ClinVar's aggregate classification.
Comment: This sequence change creates a premature translational stop signal (p.Val202Leufs*13) in the CDH1 gene. It is expected to result in an absent or disrupted protein product. Loss-of-function variants in CDH1 are known to be pathogenic (PMID: 15235021, 20373070). This variant is not present in population databases (gnomAD no frequency). This premature translational stop signal has been observed in individual(s) with a history suspicious for hereditary diffuse gastric cancer (PMID: 26025002). ClinVar contains an entry for this variant (Variation ID: 428620). For these reasons, this variant has been classified as Pathogenic.

Color Diagnostics, LLC DBA Color Health
Classification: Pathogenic for Hereditary cancer-predisposing syndrome. Last evaluated: 2024-01-02. Review status: criteria provided, single submitter. Criteria: ACMG Guidelines, 2015. Collection method: clinical testing. Allele origin: germline. Not counted in ClinVar's aggregate classification.
Comment: This variant deletes 1 nucleotide in exon 5 of the CDH1 gene, creating a frameshift and premature translation stop signal. This variant is expected to result in an absent or non-functional protein product. This variant has been reported in individuals affected with hereditary diffuse gastric cancer (PMID: 26025002, 31077828). This variant has not been identified in the general population by the Genome Aggregation Database (gnomAD). Loss of CDH1 function is a known mechanism of disease. Based on the available evidence, this variant is classified as Pathogenic.

Myriad Genetics, Inc.
Classification: Pathogenic for Hereditary diffuse gastric adenocarcinoma. Last evaluated: 2023-06-09. Review status: criteria provided, single submitter. Criteria: Myriad Autosomal Dominant, Autosomal Recessive and X-Linked Classification Criteria (2023). Collection method: clinical testing. Allele origin: unknown. Not counted in ClinVar's aggregate classification.
Comment: This variant is considered pathogenic. This variant creates a frameshift predicted to result in premature protein truncation.

Quest Diagnostics Nichols Institute San Juan Capistrano
Classification: Pathogenic. Last evaluated: 2023-01-04. Review status: criteria provided, single submitter. Criteria: Quest Diagnostics criteria. Collection method: clinical testing. Allele origin: unknown. Not counted in ClinVar's aggregate classification.
Comment: This frameshift variant alters the translational reading frame of the CDH1 mRNA and causes the premature termination of CDH1 protein synthesis. It has not been reported in large, multi-ethnic general populations. In the published literature, the variant has been reported in an individual with gastric cancer (PMID: 31077828 (2020)) and pancreatic cancer (PMID: 31296550 (2019)). The variant has also been reported in a large screening study of CDH1 mutation carriers (PMID: 26025002 (2015)). Based on the available information, this variant is classified as pathogenic.

Ambry Genetics
Classification: Pathogenic for Hereditary cancer-predisposing syndrome. Last evaluated: 2022-12-19. Review status: criteria provided, single submitter. Criteria: Ambry Variant Classification Scheme 2023. Collection method: clinical testing. Allele origin: germline. Not counted in ClinVar's aggregate classification.
Comment: The c.603delT pathogenic mutation, located in coding exon 5 of the CDH1 gene, results from a deletion of one nucleotide at nucleotide position 603, causing a translational frameshift with a predicted alternate stop codon (p.V202Lfs*13). This pathogenic mutation has been reported in the literature in a cohort of French CDH1 carriers, but specific personal and family history information was not provided (Benusiglio PR et al. J. Med. Genet. 2015 Aug;52(8):563-5). In addition to the clinical data presented in the literature, this alteration is expected to result in loss of function by premature protein truncation or nonsense-mediated mRNA decay. As such, this alteration is interpreted as a disease-causing mutation.

GeneDx
Classification: Likely pathogenic. Last evaluated: 2017-04-17. Review status: criteria provided, single submitter. Criteria: GeneDx Variant Classification (06012015). Collection method: clinical testing. Allele origin: germline. Affected: yes. Not counted in ClinVar's aggregate classification.
Comment: This deletion of one nucleotide in CDH1 is denoted c.603delT at the cDNA level and p.Val202LeufsX13 (V202LfsX13) at the protein level. The normal sequence, with the base that is deleted in brackets, is ACCCCC[delT]GTTG. The deletion causes a frameshift which changes a Valine to a Leucine at codon 202, and creates a premature stop codon at position 13 of the new reading frame. This variant is predicted to cause loss of normal protein function through either protein truncation or nonsense-mediated mRNA decay. CDH1 c.603delT has been observed in a patient with a history suspicious for Hereditary Diffuse Gastric Cancer (Benusiglio 2015). Based on the currently available information, we consider this deletion to be a likely pathogenic variant.

Literature cited by the submitters: PubMed 26025002 (cited by 6 submitters); PubMed 31077828 (cited by 3 submitters); PubMed 30563991 (cited by Women's Health and Genetics/Laboratory Corporation of America, LabCorp); PubMed 31296550 (cited by Women's Health and Genetics/Laboratory Corporation of America, LabCorp and Quest Diagnostics Nichols Institute San Juan Capistrano); PubMed 15235021 (cited by Labcorp Genetics (formerly Invitae), Labcorp); PubMed 20373070 (cited by Labcorp Genetics (formerly Invitae), Labcorp).

NM_004360.5(CDH1):c.603del (p.Val202fs)

Gene: CDH1 (cadherin 1; plus strand). Cytogenetic location: 16q22.1.
Variant type: Deletion.
Coding change: c.603del on transcript NM_004360.5 (MANE Select); coding-DNA position 603, one base deleted (T; older notation c.603delT).
Protein change: p.Val202fs; shifts the reading frame from valine 202.
Molecular consequence: frameshift variant. On other transcripts: 5 prime UTR variant (2).
Genome position (GRCh38, 1-based): chr16:68,808,764, T deleted. VCF-style (leftmost placement, unchanged base first): chr16-68808763-CT-C. GRCh37 (hg19) VCF-style: chr16-68842666-CT-C.
Other names: c.603del (LRG_301t1, NM_004360.3, NM_004360.4); c.603del, p.Val202fs (NM_001317184.2); c.-1013del (NM_001317185.2); c.-1217del (NM_001317186.2); c.603delT (NM_004360.5); short protein forms V202fs.
Identifiers: ClinVar variation 428620 (VCV000428620.32), dbSNP rs1131690809, ClinGen allele CA645369675.
Genomic context (GRCh38, chr16:68,808,763, plus strand): 5'-ACAAAGACAAAGAAGGCAAGGTTTTCTACAGCATCACTGGCCAAGGAGCTGACACACCCC[CT>C]GTTGGTGTCTTTATTATTGAAAGAGAAACAGGATGGCTGAAGGTGACAGAGCCTCTGGAT-3'